The following is an entry in ClinVar:

NM_014244.5(ADAMTS2):c.82_102dup (p.Pro34_Ala35insLeuProProProProProPro)

Gene: ADAMTS2 (ADAM metallopeptidase with thrombospondin type 1 motif 2; minus strand). Cytogenetic location: 5q35.3.
Variant type: Duplication.
Coding change: c.82_102dup on transcript NM_014244.5 (MANE Select); coding-DNA positions 82 to 102, 21 bases duplicated (CTGCCGCCGCCGCCGCCGCCC).
Protein change: p.Pro34_Ala35insLeuProProProProProPro.
Molecular consequence: inframe insertion.
Genome position (GRCh38, 1-based): chr5:179,345,227-179,345,247, GGGCGGCGGCGGCGGCGGCAG duplicated on the plus strand (CTGCCGCCGCCGCCGCCGCCC on the coding strand, the reverse complement: ADAMTS2 is on the minus strand); duplicating any 21 consecutive bases within chr5:179,345,227-179,345,248 gives the same sequence; the c. name uses the placement nearest the transcript's 3' end. VCF-style (leftmost placement, unchanged base first): chr5-179345226-C-CGGGCGGCGGCGGCGGCGGCAG. GRCh37 (hg19) VCF-style: chr5-178772227-C-CGGGCGGCGGCGGCGGCGGCAG.
Other names: c.82_102dup, p.Pro34_Ala35insLeuProProProProProPro (NM_021599.4).
Identifiers: ClinVar variation 2144939 (VCV002144939.1), dbSNP rs2532193199, ClinGen allele CA2580074173.

ClinVar aggregate classification (germline): Uncertain significance (1 of 4 stars; one submission).

Conditions:
Ehlers-Danlos syndrome, dermatosparaxis type. Also called: EDS VIIC; Dermatosparaxis; Ehlers-Danlos syndrome, type VII, autosomal recessive. Identifiers: Orphanet 1901, MedGen C2700425, MONDO:0009161, OMIM 225410.

Submission:

Labcorp Genetics (formerly Invitae), Labcorp
Classification: Uncertain significance for Ehlers-Danlos syndrome, dermatosparaxis type. Last evaluated: 2022-04-01. Review status: criteria provided, single submitter. Criteria: Invitae Variant Classification Sherloc (09022015). Collection method: clinical testing. Allele origin: germline.
Comment: This variant, c.82_102dup, results in the insertion of 7 amino acid(s) of the ADAMTS2 protein (p.Leu28_Pro34dup), but otherwise preserves the integrity of the reading frame. This variant is not present in population databases (gnomAD no frequency). This variant has not been reported in the literature in individuals affected with ADAMTS2-related conditions. In summary, the available evidence is currently insufficient to determine the role of this variant in disease. Therefore, it has been classified as a Variant of Uncertain Significance.